The following is an entry in ClinVar:

ClinVar aggregate classification (germline): Uncertain significance. Review status: criteria provided, multiple submitters, no conflicts (2 of 4 stars). 2 submissions from 2 submitters: Uncertain significance (2). Last evaluated 2025-05-25.

Conditions:
Mosaic variegated aneuploidy syndrome 1 (MVA1). Also called: Warburton-Anyane-Yeboa syndrome. Identifiers: Orphanet 1052, MedGen C1850343, MONDO:0009759, OMIM 257300.
Inborn genetic diseases. Identifiers: MedGen C0950123, MeSH D030342.

Allele frequency attached by ClinVar (database versions not stated): gnomAD exomes 0.00001.
gnomAD v4.1: 4 of 1,614,126 alleles (0.00025%); highest among the groups gnomAD compares: East Asian, 0.0089%; no homozygotes.

Submissions (2):

Labcorp Genetics (formerly Invitae), Labcorp
Classification: Uncertain significance for Mosaic variegated aneuploidy syndrome 1. Last evaluated: 2025-05-25. Review status: criteria provided, single submitter. Criteria: Invitae Variant Classification Sherloc (09022015). Collection method: clinical testing. Allele origin: germline.
Comment: This sequence change replaces glycine, which is neutral and non-polar, with aspartic acid, which is acidic and polar, at codon 990 of the BUB1B protein (p.Gly990Asp). This variant is not present in population databases (gnomAD no frequency). This variant has not been reported in the literature in individuals affected with BUB1B-related conditions. ClinVar contains an entry for this variant (Variation ID: 2450835). An algorithm developed to predict the effect of missense changes on protein structure and function (PolyPhen-2) suggests that this variant is likely to be disruptive. In summary, the available evidence is currently insufficient to determine the role of this variant in disease. Therefore, it has been classified as a Variant of Uncertain Significance.

Ambry Genetics
Classification: Uncertain significance for Inborn genetic diseases. Last evaluated: 2023-02-09. Review status: criteria provided, single submitter. Criteria: Ambry Variant Classification Scheme 2023. Collection method: clinical testing. Allele origin: germline.
Comment: The p.G990D variant (also known as c.2969G>A), located in coding exon 23 of the BUB1B gene, results from a G to A substitution at nucleotide position 2969. The glycine at codon 990 is replaced by aspartic acid, an amino acid with similar properties. This amino acid position is conserved. In addition, this alteration is predicted to be tolerated by in silico analysis. Since supporting evidence is limited at this time, the clinical significance of this alteration remains unclear.

NM_001211.6(BUB1B):c.2969G>A (p.Gly990Asp)

Genes: BUB1B (BUB1 mitotic checkpoint serine/threonine kinase B; plus strand), BUB1B-PAK6 (BUB1B-PAK6 readthrough; plus strand). Cytogenetic location: 15q15.1.
Variant type: single nucleotide variant.
Coding change: c.2969G>A on transcript NM_001211.6 (MANE Select); coding-DNA position 2969, G replaced by A.
Protein change: p.Gly990Asp; replaces glycine 990 with aspartic acid.
Molecular consequence: missense variant. On other transcripts: intron variant (2).
Genome position (GRCh38, 1-based): chr15:40,220,575, G>A. VCF-style: chr15-40220575-G-A. GRCh37 (hg19) VCF-style: chr15-40512776-G-A.
Other names: c.-201+2908G>A (NM_001128628.3); c.-118+2908G>A (NM_001128629.3); short protein forms G990D.
Identifiers: ClinVar variation 2450835 (VCV002450835.3), dbSNP rs1595542473, ClinGen allele CA391689280.